The following is an entry in ClinVar:

NM_016729.3(FOLR1):c.590A>G (p.Tyr197Cys)

Genes: FOLR1-AS1 (FOLR1 antisense RNA 1; minus strand), FOLR1 (folate receptor alpha; plus strand). Cytogenetic location: 11q13.4.
Variant type: single nucleotide variant.
Coding change: c.590A>G on transcript NM_016729.3 (MANE Select); coding-DNA position 590, A replaced by G.
Protein change: p.Tyr197Cys; replaces tyrosine 197 with cysteine.
Molecular consequence: missense variant.
Genome position (GRCh38, 1-based): chr11:72,195,993, A>G. VCF-style: chr11-72195993-A-G. GRCh37 (hg19) VCF-style: chr11-71907037-A-G.
Other names: c.590A>G, p.Tyr197Cys (NM_000802.3, NM_016724.3, NM_016725.3); short protein forms Y197C.
Identifiers: ClinVar variation 937986 (VCV000937986.10), dbSNP rs1165021874, ClinGen allele CA381734487.

ClinVar aggregate classification (germline): Likely pathogenic (1 of 4 stars; one submission).

Conditions:
Cerebral folate transport deficiency. Also called: FOLR1-Related Cerebral Folate Transport Deficiency; FOLATE RECEPTOR DEFICIENCY; Cerebral folate deficiency syndrome; NEURODEGENERATION DUE TO CEREBRAL FOLATE TRANSPORT DEFICIENCY; Neurodegenerative syndrome due to cerebral folate transport deficiency. Identifiers: Orphanet 217382, MedGen C2751584, MONDO:0013110, OMIM 613068. Disease mechanism: loss of function.

Allele frequency attached by ClinVar (database versions not stated): gnomAD 0.00001.
gnomAD v4.1: 1 of 1,614,050 alleles (0.000062%); highest among the groups gnomAD compares: African/African-American, 0.0013%; no homozygotes.

Submission:

Labcorp Genetics (formerly Invitae), Labcorp
Classification: Likely pathogenic for Cerebral folate transport deficiency. Last evaluated: 2025-02-03. Review status: criteria provided, single submitter. Criteria: Invitae Variant Classification Sherloc (09022015). Collection method: clinical testing. Allele origin: germline.
Comment: This sequence change replaces tyrosine, which is neutral and polar, with cysteine, which is neutral and slightly polar, at codon 197 of the FOLR1 protein (p.Tyr197Cys). This variant is present in population databases (no rsID available, gnomAD 0.01%). This missense change has been observed in individual(s) with clinical features of FOLR1-related conditions (internal data). In at least one individual the data is consistent with being in trans (on the opposite chromosome) from a pathogenic variant. It has also been observed to segregate with disease in related individuals. ClinVar contains an entry for this variant (Variation ID: 937986). Invitae Evidence Modeling of protein sequence and biophysical properties (such as structural, functional, and spatial information, amino acid conservation, physicochemical variation, residue mobility, and thermodynamic stability) indicates that this missense variant is expected to disrupt FOLR1 protein function with a positive predictive value of 80%. In summary, the currently available evidence indicates that the variant is pathogenic, but additional data are needed to prove that conclusively. Therefore, this variant has been classified as Likely Pathogenic.